The following is an entry in ClinVar:

NM_052988.5(CDK10):c.749_764del (p.Leu250fs)

Gene: CDK10 (cyclin dependent kinase 10; plus strand). Cytogenetic location: 16q24.3.
Variant type: Deletion.
Coding change: c.749_764del on transcript NM_052988.5 (MANE Select); coding-DNA positions 749 to 764, 16 bases deleted (TGATCGTGCAGCTGCT).
Protein change: p.Leu250fs; shifts the reading frame from leucine 250.
Molecular consequence: frameshift variant. On other transcripts: non-coding transcript variant (2).
Genome position (GRCh38, 1-based): chr16:89,694,745-89,694,760, TGATCGTGCAGCTGCT deleted; deleting any 16 consecutive bases within chr16:89,694,743-89,694,760 gives the same sequence; the c. name uses the placement nearest the transcript's 3' end. VCF-style (leftmost placement, unchanged base first): chr16-89694742-ACTTGATCGTGCAGCTG-A. GRCh37 (hg19) VCF-style: chr16-89761150-ACTTGATCGTGCAGCTG-A.
Other names: c.536_551del, p.Leu179fs (NM_001098533.3, NM_001160367.2, NM_052987.4); short protein forms L250fs, L179fs.
Identifiers: ClinVar variation 5021464 (VCV005021464.1).

ClinVar aggregate classification (germline): Pathogenic (1 of 4 stars; one submission).

Conditions:
Fetal anomalies with a likely genetic cause.

Submission:

Genetics Laboratory, Great Ormond Street Hospital NHS Foundation Trust, North Thames Genomic Laboratory Hub
Classification: Pathogenic for Fetal anomalies with a likely genetic cause. Last evaluated: 2026-08-26. Review status: criteria provided, single submitter. Criteria: ACGS Best Practice Guidelines for Variant Classification in Rare Disease 2024 v1.2. Collection method: clinical testing. Allele origin: germline. Affected: yes.
Comment: PM2_moderate, PVS1_very-strong, PM3_supporting